The following is an entry in ClinVar:

NM_000046.5(ARSB):c.238del (p.Val80fs)

Genes: ARSB (arylsulfatase B; minus strand), LOC129994126 (ATAC-STARR-seq lymphoblastoid silent region 16127; plus strand). Cytogenetic location: 5q14.1.
Variant type: Deletion.
Coding change: c.238del on transcript NM_000046.5 (MANE Select); coding-DNA position 238, one base deleted (G; older notation c.238delG).
Protein change: p.Val80fs; shifts the reading frame from valine 80.
Molecular consequence: frameshift variant.
Genome position (GRCh38, 1-based): chr5:78,985,011, C deleted on the plus strand (G on the coding strand, the reverse complement: ARSB is on the minus strand); the first of 4 consecutive C bases (chr5:78,985,011-78,985,014); deleting any one gives the same sequence. VCF-style (leftmost placement, unchanged base first): chr5-78985010-AC-A. GRCh37 (hg19) VCF-style: chr5-78280833-AC-A.
Other names: c.238del, p.Val80fs (NM_198709.3); short protein forms V80fs.
Identifiers: ClinVar variation 881 (VCV000000881.1), dbSNP rs431905493, ClinGen allele CA114604.
Genomic context (GRCh38, chr5:78,985,010, plus strand): 5'-GTGAGCAGCTGGCTCCGCGACGGCGTGCACAGCGGCTGCGTGTAGTAGTTGTCCAGGAGC[AC>A]CCCGCCGGCCGCCAGCGCGTCCAGGTGCGGCGTGCGGATGCGGGAGCCGTGGAAGCCGAC-3'

ClinVar aggregate classification (germline): Pathogenic. Review status: criteria provided, single submitter (1 of 4 stars). 2 submissions from 2 submitters: Pathogenic (1). 1 of the submissions does not count toward it. Last evaluated 2018-01-01.

Conditions:
Mucopolysaccharidosis type 6 (MPS6). Also called: MPS 6; Maroteaux Lamy syndrome; N-ACETYLGALACTOSAMINE-4-SULFATASE DEFICIENCY; ARSB DEFICIENCY; ARYLSULFATASE B DEFICIENCY; MPS VI. Identifiers: Orphanet 583, MedGen C0026709, MONDO:0009661, OMIM 253200.
Mucopolysaccharidosis, type vi, severe. Identifiers: MedGen C4017253.

Submissions (2):

Laboratory of Diagnosis and Therapy of Lysosomal Disorders, University of Padova
Classification: Pathogenic for Mucopolysaccharidosis type 6. Last evaluated: 2018-01-01. Review status: criteria provided, single submitter. Criteria: ACMG Guidelines, 2015. Collection method: curation. Allele origin: germline. Affected: yes.
Comment: Frameshift variant (PVS1); In vitro functional studies supportive of a damaging effect on the gene product (low to no ARSB activity in homozygotes; PS3); Absent from GnomAD (PM2); Reputable source identifies as pathogenic (PP5)

OMIM
Classification: Pathogenic for MUCOPOLYSACCHARIDOSIS, TYPE VI, SEVERE. Last evaluated: 1992-01-01. Review status: no assertion criteria provided. Collection method: literature only. Allele origin: germline. Not counted in ClinVar's aggregate classification.

Literature cited by the submitters: PubMed 17643332 (cited by Laboratory of Diagnosis and Therapy of Lysosomal Disorders, University of Padova); PubMed 17161971 (cited by Laboratory of Diagnosis and Therapy of Lysosomal Disorders, University of Padova); PubMed 1301949 (cited by Laboratory of Diagnosis and Therapy of Lysosomal Disorders, University of Padova and OMIM); PubMed 30118150 (cited by Laboratory of Diagnosis and Therapy of Lysosomal Disorders, University of Padova).